The following is an entry in ClinVar:

NM_032520.5(GNPTG):c.265G>A (p.Val89Met)

Gene: GNPTG (N-acetylglucosamine-1-phosphate transferase subunit gamma; plus strand). Cytogenetic location: 16p13.3.
Variant type: single nucleotide variant.
Coding change: c.265G>A on transcript NM_032520.5 (MANE Select); coding-DNA position 265, G replaced by A.
Protein change: p.Val89Met; replaces valine 89 with methionine.
Molecular consequence: missense variant.
Genome position (GRCh38, 1-based): chr16:1,361,903, G>A. VCF-style: chr16-1361903-G-A. GRCh37 (hg19) VCF-style: chr16-1411904-G-A.
Other names: short protein forms V89M.
Identifiers: ClinVar variation 1912795 (VCV001912795.4), dbSNP rs764395288, ClinGen allele CA7807576.

ClinVar aggregate classification (germline): Uncertain significance (1 of 4 stars; one submission).

Allele frequency attached by ClinVar (database versions not stated): gnomAD 0.00001; gnomAD exomes 0.00002; ExAC 0.00004.
gnomAD v4.1: 27 of 1,613,696 alleles (0.0017%); highest among the groups gnomAD compares: South Asian, 0.0044%; no homozygotes.

Submission:

Labcorp Genetics (formerly Invitae), Labcorp
Classification: Uncertain significance. Last evaluated: 2024-11-18. Review status: criteria provided, single submitter. Criteria: Invitae Variant Classification Sherloc (09022015). Collection method: clinical testing. Allele origin: germline.
Comment: This sequence change replaces valine, which is neutral and non-polar, with methionine, which is neutral and non-polar, at codon 89 of the GNPTG protein (p.Val89Met). This variant is present in population databases (rs764395288, gnomAD 0.02%). This variant has not been reported in the literature in individuals affected with GNPTG-related conditions. ClinVar contains an entry for this variant (Variation ID: 1912795). Invitae Evidence Modeling of protein sequence and biophysical properties (such as structural, functional, and spatial information, amino acid conservation, physicochemical variation, residue mobility, and thermodynamic stability) indicates that this missense variant is not expected to disrupt GNPTG protein function with a negative predictive value of 80%. In summary, the available evidence is currently insufficient to determine the role of this variant in disease. Therefore, it has been classified as a Variant of Uncertain Significance.